The following is an entry in ClinVar:

ClinVar aggregate classification (germline): Uncertain significance. Review status: criteria provided, multiple submitters, no conflicts (2 of 4 stars). 2 submissions from 2 submitters: Uncertain significance (2). Last evaluated 2024-06-18.

Conditions:
Inborn genetic diseases. Identifiers: MedGen C0950123, MeSH D030342.

Allele frequency attached by ClinVar (database versions not stated): TOPMed below 0.00001.

Submissions (2):

Labcorp Genetics (formerly Invitae), Labcorp
Classification: Uncertain significance. Last evaluated: 2024-06-18. Review status: criteria provided, single submitter. Criteria: Invitae Variant Classification Sherloc (09022015). Collection method: clinical testing. Allele origin: germline.
Comment: This sequence change replaces glutamic acid, which is acidic and polar, with glycine, which is neutral and non-polar, at codon 549 of the CDK13 protein (p.Glu549Gly). This variant is present in population databases (no rsID available, gnomAD 0.006%). This variant has not been reported in the literature in individuals affected with CDK13-related conditions. ClinVar contains an entry for this variant (Variation ID: 2398790). Advanced modeling of protein sequence and biophysical properties (such as structural, functional, and spatial information, amino acid conservation, physicochemical variation, residue mobility, and thermodynamic stability) performed at Invitae indicates that this missense variant is not expected to disrupt CDK13 protein function with a negative predictive value of 80%. In summary, the available evidence is currently insufficient to determine the role of this variant in disease. Therefore, it has been classified as a Variant of Uncertain Significance.

Ambry Genetics
Classification: Uncertain significance for Inborn genetic diseases. Last evaluated: 2022-08-17. Review status: criteria provided, single submitter. Criteria: Ambry Variant Classification Scheme 2023. Collection method: clinical testing. Allele origin: germline.

NM_003718.5(CDK13):c.1646A>G (p.Glu549Gly)

Gene: CDK13 (cyclin dependent kinase 13; plus strand). Cytogenetic location: 7p14.1.
Variant type: single nucleotide variant.
Coding change: c.1646A>G on transcript NM_003718.5 (MANE Select); coding-DNA position 1646, A replaced by G.
Protein change: p.Glu549Gly; replaces glutamic acid 549 with glycine.
Molecular consequence: missense variant.
Genome position (GRCh38, 1-based): chr7:39,988,033, A>G. VCF-style: chr7-39988033-A-G. GRCh37 (hg19) VCF-style: chr7-40027632-A-G.
Other names: c.1646A>G, p.Glu549Gly (NM_031267.4); short protein forms E549G.
Identifiers: ClinVar variation 2398790 (VCV002398790.4), dbSNP rs1301309371, ClinGen allele CA367283621.
Genomic context (GRCh38, chr7:39,988,033, plus strand): 5'-GTGGAACTTTAAAAAATGACAAAGCAAAAACAAAGCCACCTCTTCAGGTAACGAAGGTGG[A>G]AAATAATTTGATTGTAGATAAAGCCACCAAGAAAGCAGTCATAGTTGGAAAGGAGAGTAA-3'
Protein context (NP_003709.3, residues 539-559): TKPPLQVTKV[Glu549Gly]NNLIVDKATK